The following is an entry in ClinVar:

ClinVar aggregate classification (germline): Uncertain significance. Review status: criteria provided, multiple submitters, no conflicts (2 of 4 stars). 2 submissions from 2 submitters: Uncertain significance (2). Last evaluated 2025-04-26.

Conditions:
LRRC4C-related disorder. Also called: LRRC4C-related condition.

Allele frequency attached by ClinVar (database versions not stated): gnomAD exomes 0.00002; ExAC 0.00004; TOPMed 0.00006; gnomAD 0.00007.
gnomAD v4.1: 42 of 1,614,000 alleles (0.0026%); highest among the groups gnomAD compares: Admixed American, 0.013%; no homozygotes.

Submissions (2):

PreventionGenetics, part of Exact Sciences
Classification: Uncertain significance for LRRC4C-related condition. Last evaluated: 2025-04-26. Review status: criteria provided, single submitter. Criteria: ACMG Guidelines, 2015. Collection method: clinical testing. Allele origin: germline.
Comment: The LRRC4C c.1193C>T variant is predicted to result in the amino acid substitution p.Ala398Val. To our knowledge, this variant has not been reported in the literature. This variant is reported in 0.016% of alleles in individuals of East Asian descent in gnomAD. At this time, the clinical significance of this variant is uncertain due to the absence of conclusive functional and genetic evidence.

Ambry Genetics
Classification: Uncertain significance. Last evaluated: 2021-07-20. Review status: criteria provided, single submitter. Criteria: Ambry Variant Classification Scheme 2023. Collection method: clinical testing. Allele origin: germline.

NM_001258419.2(LRRC4C):c.1193C>T (p.Ala398Val)

Gene: LRRC4C (leucine rich repeat containing 4C; minus strand). Cytogenetic location: 11p12.
Variant type: single nucleotide variant.
Coding change: c.1193C>T on transcript NM_001258419.2 (MANE Select); coding-DNA position 1193, C replaced by T.
Protein change: p.Ala398Val; replaces alanine 398 with valine.
Molecular consequence: missense variant. On other transcripts: non-coding transcript variant (2).
Genome position (GRCh38, 1-based): chr11:40,115,100, G>A on the plus strand (C>T on the coding strand, the complement: LRRC4C is on the minus strand). VCF-style: chr11-40115100-G-A. GRCh37 (hg19) VCF-style: chr11-40136650-G-A.
Other names: c.1193C>T, p.Ala398Val (NM_020929.3); c.1193C>T (NM_001258419.1); short protein forms A398V.
Identifiers: ClinVar variation 2379427 (VCV002379427.3), dbSNP rs752236880, ClinGen allele CA5950961.